The following is an entry in ClinVar:

NM_005902.4(SMAD3):c.450C>T (p.Phe150=)

Gene: SMAD3 (SMAD family member 3; plus strand). Cytogenetic location: 15q22.33.
Variant type: single nucleotide variant.
Coding change: c.450C>T on transcript NM_005902.4 (MANE Select); coding-DNA position 450, C replaced by T.
Protein change: p.Phe150=; no amino-acid change (phenylalanine 150 retained).
Molecular consequence: synonymous variant.
Genome position (GRCh38, 1-based): chr15:67,165,302, C>T. VCF-style: chr15-67165302-C-T. GRCh37 (hg19) VCF-style: chr15-67457640-C-T.
Other names: c.135C>T, p.Phe45= (NM_001145102.2); c.318C>T, p.Phe106= (NM_001145103.2).
Identifiers: ClinVar variation 413481 (VCV000413481.33), dbSNP rs755354518, ClinGen allele CA062254.

ClinVar aggregate classification (germline): Likely benign. Review status: criteria provided, multiple submitters, no conflicts (2 of 4 stars). 2 submissions from 2 submitters: Likely benign (2). Last evaluated 2023-09-01.

Conditions:
Familial thoracic aortic aneurysm and aortic dissection (TAAD). Also called: Thoracic aortic aneurysms and dissections. Identifiers: Orphanet 91387, MedGen C4707243, MONDO:0019625.

Allele frequency attached by ClinVar (database versions not stated): gnomAD exomes below 0.00001; ExAC 0.00001; gnomAD 0.00001; TOPMed 0.00001.
gnomAD v4.1: 4 of 1,614,032 alleles (0.00025%); highest among the groups gnomAD compares: Non-Finnish European, 0.00034%; no homozygotes.

Submissions (2):

CeGaT Center for Human Genetics Tuebingen
Classification: Likely benign. Last evaluated: 2023-09-01. Review status: criteria provided, single submitter. Criteria: CeGaT Center For Human Genetics Tuebingen Variant Classification Criteria Version 2. Collection method: clinical testing. Allele origin: germline. Affected: yes. Observed: 1 variant allele.
Comment: SMAD3: BP4

Labcorp Genetics (formerly Invitae), Labcorp
Classification: Likely benign for Familial thoracic aortic aneurysm and aortic dissection. Last evaluated: 2016-07-05. Review status: criteria provided, single submitter. Criteria: Invitae Variant Classification Sherloc (09022015). Collection method: clinical testing. Allele origin: germline.